The following is an entry in ClinVar:

ClinVar aggregate classification (germline): Uncertain significance (1 of 4 stars; one submission).

Conditions:
Inborn genetic diseases. Identifiers: MedGen C0950123, MeSH D030342.

Submission:

Ambry Genetics
Classification: Uncertain significance for Inborn genetic diseases. Last evaluated: 2025-08-01. Review status: criteria provided, single submitter. Criteria: Ambry Variant Classification Scheme 2023. Collection method: clinical testing. Allele origin: germline.
Comment: The p.I754V variant (also known as c.2260A>G), located in coding exon 19 of the KDM1A gene, results from an A to G substitution at nucleotide position 2260. The isoleucine at codon 754 is replaced by valine, an amino acid with highly similar properties. This amino acid position is conserved. In addition, the in silico prediction for this alteration is inconclusive. Based on the available evidence, the clinical significance of this variant remains unclear.

NM_001009999.3(KDM1A):c.2260A>G (p.Ile754Val)

Gene: KDM1A (lysine demethylase 1A; plus strand). Cytogenetic location: 1p36.12.
Variant type: single nucleotide variant.
Coding change: c.2260A>G on transcript NM_001009999.3 (MANE Select); coding-DNA position 2260, A replaced by G.
Protein change: p.Ile754Val; replaces isoleucine 754 with valine.
Molecular consequence: missense variant.
Genome position (GRCh38, 1-based): chr1:23,081,535, A>G. VCF-style: chr1-23081535-A-G. GRCh37 (hg19) VCF-style: chr1-23408028-A-G.
Other names: c.2206A>G, p.Ile736Val (NM_001363654.2); c.2266A>G, p.Ile756Val (NM_001410762.1); c.2188A>G, p.Ile730Val (NM_001410763.1, NM_015013.4); short protein forms I736V, I756V, I754V, I730V.
Identifiers: ClinVar variation 4091083 (VCV004091083.1).